The following is an entry in ClinVar:

NM_015335.5(MED13L):c.5008A>C (p.Ser1670Arg)

Gene: MED13L (mediator complex subunit 13L; minus strand). Cytogenetic location: 12q24.21.
Variant type: single nucleotide variant.
Coding change: c.5008A>C on transcript NM_015335.5 (MANE Select); coding-DNA position 5008, A replaced by C.
Protein change: p.Ser1670Arg; replaces serine 1670 with arginine.
Molecular consequence: missense variant.
Genome position (GRCh38, 1-based): chr12:115,982,551, T>G on the plus strand (A>C on the coding strand, the complement: MED13L is on the minus strand). VCF-style: chr12-115982551-T-G. GRCh37 (hg19) VCF-style: chr12-116420356-T-G.
Other names: short protein forms S1670R.
Identifiers: ClinVar variation 3347896 (VCV003347896.1).
Genomic context (GRCh38, chr12:115,982,551, plus strand): 5'-CTGCAGCATACGTGAACGGGTCCACCATGTAAATGACAACAGCTGGAGGGTGGGCATGGC[T>G]GTCTGCAGAGTCAGGCTCCGTGGGAATTCCTATTCTCTCCCTTTCTGTAACACTGGAGAG-3'
Protein context (NP_056150.1, residues 1660-1680): GIPTEPDSAD[Ser1670Arg]HAHPPAVVIY

ClinVar aggregate classification (germline): Uncertain significance (0 of 4 stars; one submission).

Conditions:
MED13L-related disorder. Also called: MED13L-related condition.

Submission:

PreventionGenetics, part of Exact Sciences
Classification: Uncertain significance for MED13L-related condition. Last evaluated: 2024-05-10. Review status: no assertion criteria provided. Collection method: clinical testing. Allele origin: germline.
Comment: The MED13L c.5008A>C variant is predicted to result in the amino acid substitution p.Ser1670Arg. To our knowledge, this variant has not been reported in the literature or in a large population database, indicating this variant is rare. At this time, the clinical significance of this variant is uncertain due to the absence of conclusive functional and genetic evidence.